The following is an entry in ClinVar:

ClinVar aggregate classification (germline): Uncertain significance (1 of 4 stars; one submission).

Conditions:
Familial thoracic aortic aneurysm and aortic dissection (TAAD). Also called: Thoracic aortic aneurysms and dissections. Identifiers: Orphanet 91387, MedGen C4707243, MONDO:0019625.

Submission:

Ambry Genetics
Classification: Uncertain significance for Familial thoracic aortic aneurysm and aortic dissection. Last evaluated: 2021-11-24. Review status: criteria provided, single submitter. Criteria: Ambry Variant Classification Scheme 2023. Collection method: clinical testing. Allele origin: germline.
Comment: The p.I397V variant (also known as c.1189A>G), located in coding exon 7 of the NOTCH1 gene, results from an A to G substitution at nucleotide position 1189. The isoleucine at codon 397 is replaced by valine, an amino acid with highly similar properties. This amino acid position is conserved. In addition, this alteration is predicted to be tolerated by in silico analysis. Since supporting evidence is limited at this time, the clinical significance of this alteration remains unclear.

NM_017617.5(NOTCH1):c.1189A>G (p.Ile397Val)

Gene: NOTCH1 (notch receptor 1; minus strand). Cytogenetic location: 9q34.3.
Variant type: single nucleotide variant.
Coding change: c.1189A>G on transcript NM_017617.5 (MANE Select); coding-DNA position 1189, A replaced by G.
Protein change: p.Ile397Val; replaces isoleucine 397 with valine.
Molecular consequence: missense variant.
Genome position (GRCh38, 1-based): chr9:136,518,203, T>C on the plus strand (A>G on the coding strand, the complement: NOTCH1 is on the minus strand). VCF-style: chr9-136518203-T-C. GRCh37 (hg19) VCF-style: chr9-139412655-T-C.
Other names: short protein forms I397V.
Identifiers: ClinVar variation 1744244 (VCV001744244.2), dbSNP rs2133369775, ClinGen allele CA375564640.